The following is an entry in ClinVar:

NM_182961.4(SYNE1):c.16355C>T (p.Thr5452Ile)

Gene: SYNE1 (spectrin repeat containing nuclear envelope protein 1; minus strand). Cytogenetic location: 6q25.2.
Variant type: single nucleotide variant.
Coding change: c.16355C>T on transcript NM_182961.4 (MANE Select); coding-DNA position 16355, C replaced by T.
Protein change: p.Thr5452Ile; replaces threonine 5452 with isoleucine.
Molecular consequence: missense variant.
Genome position (GRCh38, 1-based): chr6:152,318,897, G>A on the plus strand (C>T on the coding strand, the complement: SYNE1 is on the minus strand). VCF-style: chr6-152318897-G-A. GRCh37 (hg19) VCF-style: chr6-152640032-G-A.
Other names: c.16142C>T, p.Thr5381Ile (NM_033071.5); short protein forms T5452I, T5381I.
Identifiers: ClinVar variation 2139810 (VCV002139810.29), dbSNP rs572786112, ClinGen allele CA366113134.

ClinVar aggregate classification (germline): Uncertain significance. Review status: criteria provided, multiple submitters, no conflicts (2 of 4 stars). 3 submissions from 3 submitters: Uncertain significance (3). Last evaluated 2025-01-29.

Conditions:
Autosomal recessive ataxia, Beauce type. Also called: Spinocerebellar ataxia, autosomal recessive 8; SYNE1-Related Autosomal Recessive Cerebellar Ataxia; SYNE1 Deficiency; ATAXIA, RECESSIVE, OF BEAUCE. Identifiers: Orphanet 88644, MedGen C1853116, MONDO:0012549, OMIM 610743.
Emery-Dreifuss muscular dystrophy 4, autosomal dominant (EDMD4). Also called: EMERY-DREIFUSS MUSCULAR DYSTROPHY 4 WITH VARIABLE FEATURES. Identifiers: Orphanet 261, MedGen C2751807, MONDO:0013071, OMIM 612998.
Inborn genetic diseases. Identifiers: MedGen C0950123, MeSH D030342.

Allele frequency attached by ClinVar (database versions not stated): TOPMed 0.00001; gnomAD 0.00002.
gnomAD v4.1: 8 of 1,614,022 alleles (0.0005%); highest among the groups gnomAD compares: African/African-American, 0.0013%; no homozygotes.

Submissions (3):

Labcorp Genetics (formerly Invitae), Labcorp
Classification: Uncertain significance for Emery-Dreifuss muscular dystrophy 4, autosomal dominant; Autosomal recessive ataxia, Beauce type. Last evaluated: 2025-01-29. Review status: criteria provided, single submitter. Criteria: Invitae Variant Classification Sherloc (09022015). Collection method: clinical testing. Allele origin: germline.
Comment: This sequence change replaces threonine, which is neutral and polar, with isoleucine, which is neutral and non-polar, at codon 5381 of the SYNE1 protein (p.Thr5381Ile). The frequency data for this variant in the population databases is considered unreliable, as metrics indicate poor data quality at this position in the gnomAD database. This variant has not been reported in the literature in individuals affected with SYNE1-related conditions. ClinVar contains an entry for this variant (Variation ID: 2139810). An algorithm developed to predict the effect of missense changes on protein structure and function (PolyPhen-2) suggests that this variant is likely to be tolerated. In summary, the available evidence is currently insufficient to determine the role of this variant in disease. Therefore, it has been classified as a Variant of Uncertain Significance.

CeGaT Center for Human Genetics Tuebingen
Classification: Uncertain significance. Last evaluated: 2022-10-01. Review status: criteria provided, single submitter. Criteria: CeGaT Center For Human Genetics Tuebingen Variant Classification Criteria Version 2. Collection method: clinical testing. Allele origin: germline. Affected: yes. Observed: 1 variant allele.

Ambry Genetics
Classification: Uncertain significance for Inborn genetic diseases. Last evaluated: 2021-08-16. Review status: criteria provided, single submitter. Criteria: Ambry Variant Classification Scheme 2023. Collection method: clinical testing. Allele origin: germline.